The following is an entry in ClinVar:

ClinVar aggregate classification (germline): Pathogenic/Likely pathogenic. Review status: criteria provided, multiple submitters, no conflicts (2 of 4 stars). 3 submissions from 3 submitters: Pathogenic (1); Likely pathogenic (2). Last evaluated 2025-05-24.

Conditions:
RPL5-related disorder. Also called: RPL5-related condition.
Diamond-Blackfan anemia. Also called: Blackfan Diamond syndrome; Aregenerative anemia chronic congenital; Red cell aplasia, pure hereditary; Congenital hypoplastic anemia; Aase syndrome. Identifiers: Orphanet 124, MedGen C1260899, MeSH D029503, MONDO:0015253, HP:0004810.

Submissions (3):

PreventionGenetics, part of Exact Sciences
Classification: Likely pathogenic for RPL5-related condition. Last evaluated: 2025-05-24. Review status: criteria provided, single submitter. Criteria: ACMG Guidelines, 2015. Collection method: clinical testing. Allele origin: germline.
Comment: The RPL5 c.70C>T variant is predicted to result in premature protein termination (p.Arg24*). To our knowledge, this variant has not been reported in the literature or in a large population database (gnomAD), indicating this variant is rare. Nonsense variants in RPL5 are expected to be pathogenic. This variant is interpreted as likely pathogenic.

Labcorp Genetics (formerly Invitae), Labcorp
Classification: Pathogenic for Diamond-Blackfan anemia. Last evaluated: 2025-02-25. Review status: criteria provided, single submitter. Criteria: Invitae Variant Classification Sherloc (09022015). Collection method: clinical testing. Allele origin: germline.
Comment: This sequence change creates a premature translational stop signal (p.Arg24*) in the RPL5 gene. It is expected to result in an absent or disrupted protein product. Loss-of-function variants in RPL5 are known to be pathogenic (PMID: 19061985, 19773262). This variant is not present in population databases (gnomAD no frequency). This variant has not been reported in the literature in individuals affected with RPL5-related conditions. ClinVar contains an entry for this variant (Variation ID: 572903). Algorithms developed to predict the effect of sequence changes on RNA splicing suggest that this variant may disrupt the consensus splice site. For these reasons, this variant has been classified as Pathogenic.

Blueprint Genetics
Classification: Likely pathogenic for RPL5-related disorders. Last evaluated: 2022-11-02. Review status: criteria provided, single submitter. Criteria: ACMG Guidelines, 2015. Collection method: clinical testing. Allele origin: germline. Affected: yes. Observed: 2 variant alleles.

Literature cited by the submitters: PubMed 19061985 (cited by Labcorp Genetics (formerly Invitae), Labcorp); PubMed 19773262 (cited by Labcorp Genetics (formerly Invitae), Labcorp).

NM_000969.5(RPL5):c.70C>T (p.Arg24Ter)

Genes: DIPK1A (divergent protein kinase domain 1A; minus strand), RPL5 (ribosomal protein L5; plus strand). Cytogenetic location: 1p22.1.
Variant type: single nucleotide variant.
Coding change: c.70C>T on transcript NM_000969.5 (MANE Select); coding-DNA position 70, C replaced by T.
Protein change: p.Arg24Ter; replaces arginine 24 with a stop codon.
Molecular consequence: nonsense. On other transcripts: non-coding transcript variant (1), intron variant (1).
Genome position (GRCh38, 1-based): chr1:92,833,455, C>T. VCF-style: chr1-92833455-C-T. GRCh37 (hg19) VCF-style: chr1-93299012-C-T.
Other names: c.475-421G>A (NM_001252273.2); short protein forms R24*.
Identifiers: ClinVar variation 572903 (VCV000572903.9), dbSNP rs1558283853, ClinGen allele CA341240781.